The following is an entry in ClinVar:

NM_018294.6(CWF19L1):c.779del (p.Asp260fs)

Gene: CWF19L1 (CWF19 like cell cycle control factor 1; minus strand). Cytogenetic location: 10q24.31.
Variant type: Deletion.
Coding change: c.779del on transcript NM_018294.6 (MANE Select); coding-DNA position 779, one base deleted (A; older notation c.779delA).
Protein change: p.Asp260fs; shifts the reading frame from aspartic acid 260.
Molecular consequence: frameshift variant.
Genome position (GRCh38, 1-based): chr10:100,246,865, T deleted on the plus strand (A on the coding strand, the reverse complement: CWF19L1 is on the minus strand). VCF-style (leftmost placement, unchanged base first): chr10-100246864-AT-A. GRCh37 (hg19) VCF-style: chr10-102006621-AT-A.
Other names: c.779del, p.Asp260fs (NM_001303404.2); c.368del, p.Asp123fs (NM_001303405.2, NM_001303406.2); c.44del, p.Asp15fs (NM_001303407.2); short protein forms D123fs, D15fs, D260fs.
Identifiers: ClinVar variation 504028 (VCV000504028.2), dbSNP rs1554904186, ClinGen allele CA658797528.

ClinVar aggregate classification (germline): Pathogenic (1 of 4 stars; one submission).

Submission:

GeneDx
Classification: Pathogenic. Last evaluated: 2018-01-18. Review status: criteria provided, single submitter. Criteria: GeneDx Variant Classification (06012015). Collection method: clinical testing. Allele origin: germline. Affected: yes.
Comment: The c.779delA variant in the CWF19L1 gene has not been published as a pathogenic variant, nor has it been reported as a benign variant to our knowledge. The c.779delA variant causes a frameshift starting with codon Aspartic acid 260, changes this amino acid to a Valine residue, and creates a premature Stop codon at position 16 of the new reading frame, denoted p.Asp260ValfsX16. This variant is predicted to cause loss of normal protein function either through protein truncation or nonsense-mediated mRNA decay. Furthermore, the c.779delA variant is not observed in large population cohorts (Lek et al., 2016). We interpret c.779delA as a pathogenic variant.